The following is an entry in ClinVar:

NM_022124.6(CDH23):c.1697A>G (p.Tyr566Cys)

Gene: CDH23 (cadherin related 23; plus strand). Cytogenetic location: 10q22.1.
Variant type: single nucleotide variant.
Coding change: c.1697A>G on transcript NM_022124.6 (MANE Select); coding-DNA position 1697, A replaced by G.
Protein change: p.Tyr566Cys; replaces tyrosine 566 with cysteine.
Molecular consequence: missense variant.
Genome position (GRCh38, 1-based): chr10:71,677,638, A>G. VCF-style: chr10-71677638-A-G. GRCh37 (hg19) VCF-style: chr10-73437395-A-G.
Other names: c.1697A>G, p.Tyr566Cys (NM_001171930.2, NM_001171931.2); short protein forms Y566C.
Identifiers: ClinVar variation 3830133 (VCV003830133.2).
Genomic context (GRCh38, chr10:71,677,638, plus strand): 5'-GGGTCAGGATCAATGTGTTGGATGTCAACGACAACGTGCCCACCTTCCAGAAGGATGCCT[A>G]CGTGGGTGCTCTGCGGGAGAACGAGCCTTCTGTCACACAGCTGGTGCGGCTCCGGGTAAG-3'
Protein context (NP_071407.4, residues 556-576): DNVPTFQKDA[Tyr566Cys]VGALRENEPS

ClinVar aggregate classification (germline): Uncertain significance. Review status: criteria provided, multiple submitters, no conflicts (2 of 4 stars). 2 submissions from 2 submitters: Uncertain significance (2). Last evaluated 2026-01-29.

Conditions:
CDH23-related disorder. Also called: CDH23-related condition; CDH23-related disorders.
Inborn genetic diseases. Identifiers: MedGen C0950123, MeSH D030342.

gnomAD v4.1: 45 of 1,592,230 alleles (0.0028%); highest among the groups gnomAD compares: Non-Finnish European, 0.0033%; no homozygotes.

Submissions (2):

PreventionGenetics, part of Exact Sciences
Classification: Uncertain significance for CDH23-related condition. Last evaluated: 2026-01-29. Review status: criteria provided, single submitter. Criteria: ACMG Guidelines, 2015. Collection method: clinical testing. Allele origin: germline.
Comment: The CDH23 c.1697A>G variant is predicted to result in the amino acid substitution p.Tyr566Cys. To our knowledge, this variant has not been reported in the literature. This variant is reported in 0.0046% of alleles in individuals of European (Non-Finnish) descent in gnomAD. At this time, the clinical significance of this variant is uncertain due to the absence of conclusive functional and genetic evidence.

Ambry Genetics
Classification: Uncertain significance for Inborn genetic diseases. Last evaluated: 2025-02-08. Review status: criteria provided, single submitter. Criteria: Ambry Variant Classification Scheme 2023. Collection method: clinical testing. Allele origin: germline.